The following is an entry in ClinVar:

NM_000256.3(MYBPC3):c.2738-1G>A

Gene: MYBPC3 (myosin binding protein C3; minus strand). Cytogenetic location: 11p11.2.
Variant type: single nucleotide variant.
Coding change: c.2738-1G>A on transcript NM_000256.3 (MANE Select); the canonical splice acceptor site of the intron before coding-DNA position 2738, G replaced by A.
Molecular consequence: splice acceptor variant.
Genome position (GRCh38, 1-based): chr11:47,335,210, C>T on the plus strand (G>A on the coding strand, the complement: MYBPC3 is on the minus strand). VCF-style: chr11-47335210-C-T. GRCh37 (hg19) VCF-style: chr11-47356761-C-T.
Other names: c.2738-1G>A (LRG_386t1).
Identifiers: ClinVar variation 449610 (VCV000449610.3), dbSNP rs1555120792, ClinGen allele CA380316885.

ClinVar aggregate classification (germline): Likely pathogenic (1 of 4 stars; one submission).

Submission:

GeneDx
Classification: Likely pathogenic. Last evaluated: 2019-12-17. Review status: criteria provided, single submitter. Criteria: GeneDx Variant Classification Process June 2021. Collection method: clinical testing. Allele origin: germline. Affected: yes.
Comment: Has not been previously published as pathogenic or benign to our knowledge; Not observed in large population cohorts (Lek et al., 2016); Canonical splice site variant predicted to result in aberrant splicing